The following is an entry in ClinVar:

ClinVar aggregate classification (germline): Likely benign (1 of 4 stars; one submission).

Submission:

CeGaT Center for Human Genetics Tuebingen
Classification: Likely benign. Last evaluated: 2023-06-01. Review status: criteria provided, single submitter. Criteria: CeGaT Center For Human Genetics Tuebingen Variant Classification Criteria Version 2. Collection method: clinical testing. Allele origin: germline. Affected: yes. Observed: 17 variant alleles.
Comment: SMAD4: BS2

NM_005359.6(SMAD4):c.*3760dup

Gene: SMAD4 (SMAD family member 4; plus strand). Cytogenetic location: 18q21.2.
Variant type: Duplication.
Coding change: c.*3760dup on transcript NM_005359.6 (MANE Select); 3760 bases downstream of the stop codon, one base duplicated (T; older notation c.*3760dupT).
Molecular consequence: 3 prime UTR variant.
Genome position (GRCh38, 1-based): chr18:51,082,227, T duplicated; the last of 9 consecutive T bases (chr18:51,082,219-51,082,227); duplicating any one gives the same sequence. VCF-style (leftmost placement, unchanged base first): chr18-51082218-A-AT. GRCh37 (hg19) VCF-style: chr18-48608588-A-AT.
Identifiers: ClinVar variation 1694873 (VCV001694873.31), dbSNP rs202070730, ClinGen allele CA300091629.